The following is an entry in ClinVar:

ClinVar aggregate classification (germline): Pathogenic/Likely pathogenic. Review status: criteria provided, multiple submitters, no conflicts (2 of 4 stars). 4 submissions from 4 submitters: Pathogenic (1); Likely pathogenic (2). 1 of the submissions does not count toward it. Last evaluated 2025-10-01.

Conditions:
Sphingomyelin/cholesterol lipidosis. Also called: Niemann-Pick disease. Identifiers: MedGen C0028064, MONDO:0001982.
Niemann-Pick disease, type A. Also called: Infantile Neurovisceral ASMD (Niemann-Pick Disease Type A; NPD-A); SPHINGOMYELIN LIPIDOSIS; SPHINGOMYELINASE DEFICIENCY. Identifiers: Orphanet 77292, MedGen C0268242, MONDO:0009756, OMIM 257200. Disease mechanism: loss of function.
Niemann-Pick disease, type B. Also called: Chronic Visceral ASMD (Niemann-Pick Disease Type B; NPD-B). Identifiers: Orphanet 77293, MedGen C0268243, MONDO:0011871, OMIM 607616. Disease mechanism: loss of function.

Submissions (4):

Women's Health and Genetics/Laboratory Corporation of America, LabCorp
Classification: Likely pathogenic for Sphingomyelin/cholesterol lipidosis. Last evaluated: 2025-10-01. Review status: criteria provided, single submitter. Criteria: LabCorp Variant Classification Summary - May 2015. Collection method: clinical testing. Allele origin: germline.
Comment: Variant summary: SMPD1 c.1673T>C (p.Leu558Pro) results in a non-conservative amino acid change located in the sphingomyelin phosphodiesterase, C-terminal domain (IPR045473) of the encoded protein sequence. Algorithms developed to predict the effect of missense changes on protein structure and function all suggest that this variant is likely to be disruptive. The variant was absent in 251484 control chromosomes. c.1673T>C has been observed in individuals affected with Niemann-Pick Disease (Ding_2016, Wang_2023). These data indicate that the variant is likely associated with disease. To our knowledge, no experimental evidence demonstrating an impact on protein function has been reported. The following publications have been ascertained in the context of this evaluation (PMID: 26377108, 26851525, 33675270, 36907956). ClinVar contains an entry for this variant (Variation ID: 225624). Based on the evidence outlined above, the variant was classified as likely pathogenic.

Labcorp Genetics (formerly Invitae), Labcorp
Classification: Pathogenic for Niemann-Pick disease, type B; Niemann-Pick disease, type A. Last evaluated: 2023-11-01. Review status: criteria provided, single submitter. Criteria: Invitae Variant Classification Sherloc (09022015). Collection method: clinical testing. Allele origin: germline.
Comment: This sequence change replaces leucine, which is neutral and non-polar, with proline, which is neutral and non-polar, at codon 558 of the SMPD1 protein (p.Leu558Pro). This variant is not present in population databases (gnomAD no frequency). This missense change has been observed in individual(s) with Niemann-Pick disease type A (PMID: 26851525). In at least one individual the data is consistent with being in trans (on the opposite chromosome) from a pathogenic variant. This variant is also known as c.1670T>C (p.L557P). ClinVar contains an entry for this variant (Variation ID: 225624). Advanced modeling of protein sequence and biophysical properties (such as structural, functional, and spatial information, amino acid conservation, physicochemical variation, residue mobility, and thermodynamic stability) performed at Invitae indicates that this missense variant is expected to disrupt SMPD1 protein function with a positive predictive value of 95%. For these reasons, this variant has been classified as Pathogenic.

Juno Genomics, Hangzhou Juno Genomics, Inc
Classification: Likely pathogenic for Niemann-Pick disease, type A; Niemann-Pick disease, type B. Review status: criteria provided, single submitter. Criteria: ACMG Guidelines, 2015. Collection method: clinical testing. Allele origin: germline. Affected: yes.
Comment: Absent from controls (or at extremely low frequency if recessive) in Genome Aggregation Database, Exome Sequencing Project, 1000 Genomes Project, or Exome Aggregation Consortium.;Multiple lines of computational evidence support a deleterious effect on the gene or gene product (conservation, evolutionary, splicing impact, etc).;For recessive disorders, detected in trans with a pathogenic variant.

Laboratory of Metabolic Disorders, Peking University First Hospital
Classification: Pathogenic for Niemann-Pick disease, type A. Last evaluated: 2015-05-20. Review status: no assertion criteria provided. Collection method: research. Allele origin: inherited. Affected: yes. Observed: 1 variant allele. Not counted in ClinVar's aggregate classification.

Literature cited by the submitters: PubMed 26851525 (cited by 3 submitters); PubMed 33675270 (cited by Women's Health and Genetics/Laboratory Corporation of America, LabCorp); PubMed 26377108 (cited by Women's Health and Genetics/Laboratory Corporation of America, LabCorp); PubMed 36907956 (cited by Women's Health and Genetics/Laboratory Corporation of America, LabCorp).

NM_000543.5(SMPD1):c.1673T>C (p.Leu558Pro)

Gene: SMPD1 (sphingomyelin phosphodiesterase 1; plus strand). Cytogenetic location: 11p15.4.
Variant type: single nucleotide variant.
Coding change: c.1673T>C on transcript NM_000543.5 (MANE Select); coding-DNA position 1673, T replaced by C.
Protein change: p.Leu558Pro; replaces leucine 558 with proline.
Molecular consequence: missense variant. On other transcripts: 3 prime UTR variant (1), non-coding transcript variant (2).
Genome position (GRCh38, 1-based): chr11:6,394,384, T>C. VCF-style: chr11-6394384-T-C. GRCh37 (hg19) VCF-style: chr11-6415614-T-C.
Other names: c.1670T>C, p.Leu557Pro (NM_001007593.3); c.*166T>C (NM_001318087.2); c.752T>C, p.Leu251Pro (NM_001318088.2); c.1541T>C, p.Leu514Pro (NM_001365135.2); short protein forms L557P, L558P, L251P, L514P.
Identifiers: ClinVar variation 225624 (VCV000225624.9), dbSNP rs875989836, ClinGen allele CA10576033.